The following is an entry in ClinVar:

ClinVar aggregate classification (germline): Uncertain significance (1 of 4 stars; one submission).

Allele frequency attached by ClinVar (database versions not stated): gnomAD exomes below 0.00001 and 0.00001; gnomAD 0.00001; TOPMed 0.00001.
gnomAD v4.1: 4 of 1,613,536 alleles (0.00025%); highest among the groups gnomAD compares: African/African-American, 0.004%; no homozygotes.

Submission:

Labcorp Genetics (formerly Invitae), Labcorp
Classification: Uncertain significance. Last evaluated: 2022-07-06. Review status: criteria provided, single submitter. Criteria: Invitae Variant Classification Sherloc (09022015). Collection method: clinical testing. Allele origin: germline.
Comment: In summary, the available evidence is currently insufficient to determine the role of this variant in disease. Therefore, it has been classified as a Variant of Uncertain Significance. Algorithms developed to predict the effect of missense changes on protein structure and function output the following: SIFT: "Tolerated"; PolyPhen-2: "Benign"; Align-GVGD: "Class C0". The tyrosine amino acid residue is found in multiple mammalian species, which suggests that this missense change does not adversely affect protein function. ClinVar contains an entry for this variant (Variation ID: 1414398). This variant has not been reported in the literature in individuals affected with NAXD-related conditions. This variant is present in population databases (no rsID available, gnomAD 0.004%). This sequence change replaces histidine, which is basic and polar, with tyrosine, which is neutral and polar, at codon 358 of the NAXD protein (p.His358Tyr).

NM_001242882.2(NAXD):c.882C>T (p.Leu294=)

Gene: NAXD (NAD(P)HX dehydratase; plus strand). Cytogenetic location: 13q34.
Variant type: single nucleotide variant.
Coding change: c.882C>T on transcript NM_001242882.2 (MANE Select); coding-DNA position 882, C replaced by T.
Protein change: p.Leu294=; no amino-acid change (leucine 294 retained).
Molecular consequence: synonymous variant. On other transcripts: missense variant (1), non-coding transcript variant (2).
Genome position (GRCh38, 1-based): chr13:110,638,420, C>T. VCF-style: chr13-110638420-C-T. GRCh37 (hg19) VCF-style: chr13-111290767-C-T.
Other names: c.936C>T, p.Leu312= (NM_001242881.2); c.606C>T, p.Leu202= (NM_001242883.2); c.1072C>T, p.His358Tyr (NM_018210.4); short protein forms H358Y.
Identifiers: ClinVar variation 1414398 (VCV001414398.6), dbSNP rs1346443220, ClinGen allele CA388737489.
Genomic context (GRCh38, chr13:110,638,420, plus strand): 5'-CTGTCCCCCTCTCCGCAGGTCCAGCCCTCTCCTGGTGGCCGCGTTTGGCGCCTGCTCTCT[C>T]ACCAGGCAGTGCAACCACCAAGCCTTCCAGAAGCACGGTCGCTCCACCACCACCTCCGAC-3'
Protein context (NP_001229811.1, residues 284-304): LLVAAFGACS[Leu294=]TRQCNHQAFQ